The following is an entry in ClinVar:

NM_007194.4(CHEK2):c.844C>T (p.His282Tyr)

Gene: CHEK2 (checkpoint kinase 2; minus strand). Cytogenetic location: 22q12.1.
Variant type: single nucleotide variant.
Coding change: c.844C>T on transcript NM_007194.4 (MANE Select); coding-DNA position 844, C replaced by T.
Protein change: p.His282Tyr; replaces histidine 282 with tyrosine.
Molecular consequence: missense variant.
Genome position (GRCh38, 1-based): chr22:28,710,008, G>A on the plus strand (C>T on the coding strand, the complement: CHEK2 is on the minus strand). VCF-style: chr22-28710008-G-A. GRCh37 (hg19) VCF-style: chr22-29105996-G-A.
Other names: c.973C>T, p.His325Tyr (NM_001005735.3); c.181C>T, p.His61Tyr (NM_001257387.3); c.643C>T, p.His215Tyr (NM_001349956.3); c.844C>T, p.His282Tyr (NM_145862.3); short protein forms H215Y, H61Y, H282Y, H325Y.
Identifiers: ClinVar variation 822448 (VCV000822448.14), dbSNP rs774068238, ClinGen allele CA10167849.

ClinVar aggregate classification (germline): Uncertain significance. Review status: criteria provided, multiple submitters, no conflicts (2 of 4 stars). 2 submissions from 2 submitters: Uncertain significance (2). Last evaluated 2024-03-25.

Conditions:
Hereditary cancer-predisposing syndrome. Also called: Tumor predisposition; Hereditary Cancer Syndrome; Neoplastic Syndromes, Hereditary; Hereditary neoplastic syndrome. Identifiers: Orphanet 140162, MedGen C0027672, MeSH D009386, MONDO:0015356.
Familial cancer of breast. Also called: BREAST CANCER, FAMILIAL; Hereditary breast cancer; hereditary breast carcinoma. Identifiers: Orphanet 227535, MedGen C0346153, MONDO:0016419, OMIM 114480. Disease mechanism: loss of function.

Allele frequency attached by ClinVar (database versions not stated): gnomAD exomes below 0.00001; ExAC 0.00001.

Submissions (2):

Labcorp Genetics (formerly Invitae), Labcorp
Classification: Uncertain significance for Familial cancer of breast. Last evaluated: 2024-03-25. Review status: criteria provided, single submitter. Criteria: Invitae Variant Classification Sherloc (09022015). Collection method: clinical testing. Allele origin: germline.
Comment: This sequence change replaces histidine, which is basic and polar, with tyrosine, which is neutral and polar, at codon 282 of the CHEK2 protein (p.His282Tyr). This variant is present in population databases (rs774068238, gnomAD 0.0009%). This variant has not been reported in the literature in individuals affected with CHEK2-related conditions. ClinVar contains an entry for this variant (Variation ID: 822448). An algorithm developed to predict the effect of missense changes on protein structure and function (PolyPhen-2) suggests that this variant is likely to be disruptive. In summary, the available evidence is currently insufficient to determine the role of this variant in disease. Therefore, it has been classified as a Variant of Uncertain Significance.

Ambry Genetics
Classification: Uncertain significance for Hereditary cancer-predisposing syndrome. Last evaluated: 2019-07-17. Review status: criteria provided, single submitter. Criteria: Ambry Variant Classification Scheme 2023. Collection method: clinical testing. Allele origin: germline.
Comment: The p.H282Y variant (also known as c.844C>T), located in coding exon 6 of the CHEK2 gene, results from a C to T substitution at nucleotide position 844. The histidine at codon 282 is replaced by tyrosine, an amino acid with similar properties. This amino acid position is highly conserved in available vertebrate species. In addition, this alteration is predicted to be deleterious by in silico analysis. Since supporting evidence is limited at this time, the clinical significance of this alteration remains unclear.